The following is an entry in ClinVar:

ClinVar aggregate classification (germline): Uncertain significance (1 of 4 stars; one submission).

Submission:

Labcorp Genetics (formerly Invitae), Labcorp
Classification: Uncertain significance. Last evaluated: 2021-10-08. Review status: criteria provided, single submitter. Criteria: Invitae Variant Classification Sherloc (09022015). Collection method: clinical testing. Allele origin: germline.
Comment: The frequency data for this variant in the population databases is considered unreliable, as metrics indicate insufficient coverage at this position in the ExAC database. In summary, the available evidence is currently insufficient to determine the role of this variant in disease. Therefore, it has been classified as a Variant of Uncertain Significance. Variants that disrupt the consensus splice site are a relatively common cause of aberrant splicing (PMID: 17576681, 9536098). Experimental studies and prediction algorithms are not available or were not evaluated, and the functional significance of this variant is currently unknown. This variant has not been reported in the literature in individuals affected with CPLANE1-related conditions. This variant results in the deletion of part of exon 52 (c.9418-173_9546delinsGA) of the CPLANE1 gene. While this variant is not anticipated to result in nonsense mediated decay, it likely alters RNA splicing and results in a disrupted protein product.

Literature cited by the submitters: PubMed 17576681; PubMed 9536098.

NM_001384732.1(CPLANE1):c.9580-173_9708delinsGA

Gene: CPLANE1 (ciliogenesis and planar polarity effector complex subunit 1; minus strand). Cytogenetic location: 5p13.2.
Variant type: Indel.
Coding change: c.9580-173_9708delinsGA on transcript NM_001384732.1 (MANE Select); 173 bases into the intron before coding-DNA position 9580 through coding-DNA position 9708, the reference bases replaced by GA.
Molecular consequence: splice acceptor variant.
Genome position (GRCh38, 1-based): chr5:37,107,650-37,107,951, 302 bases replaced. GRCh37 (hg19): chr5:37,107,752-37,108,053.
Other names: c.9418-173_9546delinsGA (NM_023073.4).
Identifiers: ClinVar variation 1383645 (VCV001383645.6), dbSNP rs2149844617, ClinGen allele CA2573139690.